The following is an entry in ClinVar:

ClinVar aggregate classification (germline): Uncertain significance. Review status: criteria provided, multiple submitters, no conflicts (2 of 4 stars). 2 submissions from 2 submitters: Uncertain significance (2). Last evaluated 2025-01-18.

Conditions:
NCOR1-related disorder. Also called: NCOR1-related condition.

Submissions (2):

PreventionGenetics, part of Exact Sciences
Classification: Uncertain significance for NCOR1-related condition. Last evaluated: 2025-01-18. Review status: criteria provided, single submitter. Criteria: ACMG Guidelines, 2015. Collection method: clinical testing. Allele origin: germline.
Comment: The NCOR1 c.7027G>C variant is predicted to result in the amino acid substitution p.Gly2343Arg. To our knowledge, this variant has not been reported in the literature or in a large population database (gnomAD), indicating this variant is rare. At this time, the clinical significance of this variant is uncertain due to the absence of conclusive functional and genetic evidence.

Ambry Genetics
Classification: Uncertain significance. Last evaluated: 2022-07-19. Review status: criteria provided, single submitter. Criteria: Ambry Variant Classification Scheme 2023. Collection method: clinical testing. Allele origin: germline.

NM_006311.4(NCOR1):c.7027G>C (p.Gly2343Arg)

Genes: NCOR1 (nuclear receptor corepressor 1; minus strand), TTC19 (tetratricopeptide repeat domain 19; plus strand). Cytogenetic location: 17p12.
Variant type: single nucleotide variant.
Coding change: c.7027G>C on transcript NM_006311.4 (MANE Select); coding-DNA position 7027, G replaced by C.
Protein change: p.Gly2343Arg; replaces glycine 2343 with arginine.
Molecular consequence: missense variant.
Genome position (GRCh38, 1-based): chr17:16,034,873, C>G on the plus strand (G>C on the coding strand, the complement: NCOR1 is on the minus strand). VCF-style: chr17-16034873-C-G. GRCh37 (hg19) VCF-style: chr17-15938187-C-G.
Other names: c.6718G>C, p.Gly2240Arg (NM_001190440.2); short protein forms G2240R, G2343R.
Identifiers: ClinVar variation 2302325 (VCV002302325.3), dbSNP rs2550151601, ClinGen allele CA398386321.